The following is an entry in ClinVar:

ClinVar aggregate classification (germline): Benign. Review status: criteria provided, multiple submitters, no conflicts (2 of 4 stars). 3 submissions from 3 submitters: Benign (2). 1 of the submissions does not count toward it. Last evaluated 2026-01-29.

Conditions:
TAF2-related disorder. Also called: TAF2-related condition.

Allele frequency attached by ClinVar (database versions not stated): gnomAD 0.02123 and 0.02245; 1000 Genomes Project 30x 0.02405; TOPMed 0.02459; 1000 Genomes Project 0.02336; ESP Exome Variant Server 0.02353.
gnomAD v4.1: 9,365 of 1,613,800 alleles (0.58%); highest among the groups gnomAD compares: African/African-American, 7%; 231 homozygotes.

Submissions (3):

Labcorp Genetics (formerly Invitae), Labcorp
Classification: Benign. Last evaluated: 2026-01-29. Review status: criteria provided, single submitter. Criteria: Invitae Variant Classification Sherloc (09022015). Collection method: clinical testing. Allele origin: germline.

Breakthrough Genomics
Classification: Benign. Review status: criteria provided, single submitter. Criteria: ACMG Guidelines, 2015. Collection method: not provided. Allele origin: germline. Inheritance: Autosomal recessive inheritance. Affected: yes.

PreventionGenetics, part of Exact Sciences
Classification: Benign for TAF2-related condition. Last evaluated: 2019-12-23. Review status: no assertion criteria provided. Collection method: clinical testing. Allele origin: germline. Not counted in ClinVar's aggregate classification.
Comment: This variant is classified as benign based on ACMG/AMP sequence variant interpretation guidelines (Richards et al. 2015 PMID: 25741868, with internal and published modifications).

NM_003184.4(TAF2):c.2214A>G (p.Thr738=)

Gene: TAF2 (TATA-box binding protein associated factor 2; minus strand). Cytogenetic location: 8q24.12.
Variant type: single nucleotide variant.
Coding change: c.2214A>G on transcript NM_003184.4 (MANE Select); coding-DNA position 2214, A replaced by G.
Protein change: p.Thr738=; no amino-acid change (threonine 738 retained).
Molecular consequence: synonymous variant.
Genome position (GRCh38, 1-based): chr8:119,781,092, T>C on the plus strand (A>G on the coding strand, the complement: TAF2 is on the minus strand). VCF-style: chr8-119781092-T-C. GRCh37 (hg19) VCF-style: chr8-120793332-T-C.
Identifiers: ClinVar variation 768258 (VCV000768258.14), dbSNP rs28619538, ClinGen allele CA4857132.